The following is an entry in ClinVar:

NM_022834.5(VWA1):c.1169_1217del (p.Leu390fs)

Gene: VWA1 (von Willebrand factor A domain containing 1; plus strand). Cytogenetic location: 1p36.33.
Variant type: Deletion.
Coding change: c.1169_1217del on transcript NM_022834.5 (MANE Select); coding-DNA positions 1169 to 1217, 49 bases deleted.
Protein change: p.Leu390fs; shifts the reading frame from leucine 390.
Molecular consequence: frameshift variant. On other transcripts: 3 prime UTR variant (1).
Genome position (GRCh38, 1-based): chr1:1,439,618-1,439,666, 49 bases deleted; deleting any 49 consecutive bases within chr1:1,439,615-1,439,666 gives the same sequence; the c. name uses the placement nearest the transcript's 3' end. GRCh37 (hg19): chr1:1,374,998-1,375,046.
Other names: c.*579_*627del (NM_199121.3); short protein forms L390fs.
Identifiers: ClinVar variation 2584513 (VCV002584513.1), dbSNP rs2523723957, ClinGen allele CA2582341886.
Genomic context (GRCh38, chr1:1,439,614, plus strand): 5'-GGGCCGCTGCGGGGCGGGGAGGCGCAGCGGGTGGAGGTGCCCGCGGGCCGCAACTGCACC[ACGCTGCAGGGCCTGGCGCCGGGCACCGCCTACCTGGTGACCGTGACCGC>A]CGCCTTCCGCTCGGGCCGCGAGAGCGCGCTGTCCGCCAAGGCCTGCACGCCCGACGGCCC-3'

ClinVar aggregate classification (germline): Likely pathogenic (1 of 4 stars; one submission).

Conditions:
Neuronopathy, distal hereditary motor, autosomal recessive 7. Also called: NEUROPATHY, DISTAL HEREDITARY MOTOR, AUTOSOMAL RECESSIVE 7; NEUROPATHY, HEREDITARY MOTOR, WITH MYOPATHIC FEATURES. Identifiers: MedGen C5543119, MONDO:0030977, OMIM 619216.

Submission:

Rady Children's Institute for Genomic Medicine, Rady Children's Hospital San Diego
Classification: Likely pathogenic for Neuropathy, hereditary motor, with myopathic features. Review status: criteria provided, single submitter. Criteria: ACMG Guidelines, 2015. Collection method: clinical testing. Allele origin: germline. Affected: yes.
Comment: This frameshifting variant is found in the last exon of VWA1 and is predicted to escape nonsense-mediated mRNA decay (NMD). This variant has not been previously reported or functionally characterized in the literature to our knowledge. It is absent from the gnomAD population database and thus is presumed to be rare. Based on the available evidence, the c.1169_1217del (p.Leu390ProfsTer133) variant is classified as Likely Pathogenic.